The following is an entry in ClinVar:

ClinVar aggregate classification (germline): Uncertain significance (1 of 4 stars; one submission).

Conditions:
COG5-congenital disorder of glycosylation. Also called: CONGENITAL DISORDER OF GLYCOSYLATION, TYPE IIi; CDG IIi; COG5-CDG. Identifiers: Orphanet 263487, MedGen C3150876, MONDO:0013325, OMIM 613612.

Submission:

Labcorp Genetics (formerly Invitae), Labcorp
Classification: Uncertain significance for COG5-congenital disorder of glycosylation. Last evaluated: 2022-07-19. Review status: criteria provided, single submitter. Criteria: Invitae Variant Classification Sherloc (09022015). Collection method: clinical testing. Allele origin: germline.
Comment: In summary, the available evidence is currently insufficient to determine the role of this variant in disease. Therefore, it has been classified as a Variant of Uncertain Significance. Algorithms developed to predict the effect of missense changes on protein structure and function (SIFT, PolyPhen-2, Align-GVGD) all suggest that this variant is likely to be tolerated. ClinVar contains an entry for this variant (Variation ID: 1370607). This variant has not been reported in the literature in individuals affected with COG5-related conditions. This variant is not present in population databases (gnomAD no frequency). This sequence change replaces glutamine, which is neutral and polar, with arginine, which is basic and polar, at codon 850 of the COG5 protein (p.Gln850Arg).

NM_006348.5(COG5):c.2456A>G (p.Gln819Arg)

Gene: COG5 (component of oligomeric golgi complex 5; minus strand). Cytogenetic location: 7q22.3.
Variant type: single nucleotide variant.
Coding change: c.2456A>G on transcript NM_006348.5 (MANE Select); coding-DNA position 2456, A replaced by G.
Protein change: p.Gln819Arg; replaces glutamine 819 with arginine.
Molecular consequence: missense variant.
Genome position (GRCh38, 1-based): chr7:107,203,550, T>C on the plus strand (A>G on the coding strand, the complement: COG5 is on the minus strand). VCF-style: chr7-107203550-T-C. GRCh37 (hg19) VCF-style: chr7-106843995-T-C.
Other names: c.2294A>G, p.Gln765Arg (NM_001379511.1); c.2282A>G, p.Gln761Arg (NM_001379512.1); c.2249A>G, p.Gln750Arg (NM_001379513.1); c.2141A>G, p.Gln714Arg (NM_001379514.1); c.1886A>G, p.Gln629Arg (NM_001379515.1); c.1742A>G, p.Gln581Arg (NM_001379516.1); c.2393A>G, p.Gln798Arg (NM_181733.4); short protein forms Q765R, Q798R, Q581R, Q819R, Q629R, Q714R, Q750R, Q761R.
Identifiers: ClinVar variation 1370607 (VCV001370607.6), dbSNP rs34100214, ClinGen allele CA368837960.
Genomic context (GRCh38, chr7:107,203,550, plus strand): 5'-TGGAGATGAACAAAGATTTCATGTCATTACTGAAGAGCAGACATAGCCTTTTGAAGCAGC[T>C]GAACCATTATGGGATAAACTGGTGCAAATTCTTTGCCTTCTCTACTTCTCACTGATTGAA-3'
Protein context (NP_006339.4, residues 809-829): EFAPVYPIMV[Gln819Arg]LLQKAMSALQ